The following is an entry in ClinVar:

ClinVar aggregate classification (germline): Uncertain significance. Review status: criteria provided, multiple submitters, no conflicts (2 of 4 stars). 2 submissions from 2 submitters: Uncertain significance (2). Last evaluated 2024-09-11.

Conditions:
Arrhythmogenic right ventricular dysplasia 10. Also called: Arrhythmogenic Right Ventricular Dysplasia/Cardiomyopathy10; ARRHYTHMOGENIC RIGHT VENTRICULAR DYSPLASIA, FAMILIAL, 10; Arrhythmogenic right ventricular dysplasia/cardiomyopathy, type 10. Identifiers: MedGen C1857777, MONDO:0012434, OMIM 610193.
Cardiovascular phenotype. Identifiers: MedGen CN230736.

gnomAD v4.1: 1 of 1,603,614 alleles (0.000062%); highest among the groups gnomAD compares: Non-Finnish European, 0.000085%; no homozygotes.

Submissions (2):

Ambry Genetics
Classification: Uncertain significance for Cardiovascular phenotype. Last evaluated: 2024-09-11. Review status: criteria provided, single submitter. Criteria: Ambry Variant Classification Scheme 2023. Collection method: clinical testing. Allele origin: germline.
Comment: The p.I962T variant (also known as c.2885T>C), located in coding exon 15 of the DSG2 gene, results from a T to C substitution at nucleotide position 2885. The isoleucine at codon 962 is replaced by threonine, an amino acid with similar properties. This amino acid position is conserved. In addition, this alteration is predicted to be tolerated by in silico analysis. Based on the available evidence, the clinical significance of this variant remains unclear.

Labcorp Genetics (formerly Invitae), Labcorp
Classification: Uncertain significance for Arrhythmogenic right ventricular dysplasia 10. Last evaluated: 2024-07-30. Review status: criteria provided, single submitter. Criteria: Invitae Variant Classification Sherloc (09022015). Collection method: clinical testing. Allele origin: germline.
Comment: This sequence change replaces isoleucine, which is neutral and non-polar, with threonine, which is neutral and polar, at codon 962 of the DSG2 protein (p.Ile962Thr). This variant is not present in population databases (gnomAD no frequency). This variant has not been reported in the literature in individuals affected with DSG2-related conditions. Advanced modeling of protein sequence and biophysical properties (such as structural, functional, and spatial information, amino acid conservation, physicochemical variation, residue mobility, and thermodynamic stability) performed at Invitae indicates that this missense variant is not expected to disrupt DSG2 protein function with a negative predictive value of 95%. In summary, the available evidence is currently insufficient to determine the role of this variant in disease. Therefore, it has been classified as a Variant of Uncertain Significance.

NM_001943.5(DSG2):c.2885T>C (p.Ile962Thr)

Genes: DSG2 (desmoglein 2; plus strand), DSG2-AS1 (DSG2 antisense RNA 1; minus strand). Cytogenetic location: 18q12.1.
Variant type: single nucleotide variant.
Coding change: c.2885T>C on transcript NM_001943.5 (MANE Select); coding-DNA position 2885, T replaced by C.
Protein change: p.Ile962Thr; replaces isoleucine 962 with threonine.
Molecular consequence: missense variant.
Genome position (GRCh38, 1-based): chr18:31,546,271, T>C. VCF-style: chr18-31546271-T-C. GRCh37 (hg19) VCF-style: chr18-29126234-T-C.
Other names: short protein forms I962T.
Identifiers: ClinVar variation 3505416 (VCV003505416.3).
Genomic context (GRCh38, chr18:31,546,271, plus strand): 5'-CAGGGTCCACTATGCCACCAACCACTGTGATCCTGGGTCCTAGCCAGCCACAGAGCCTTA[T>C]TGTGACAGAGAGGGTGTATGCTCCAGCTTCTACCTTGGTAGATCAGCCTTATGCTAATGA-3'
Protein context (NP_001934.2, residues 952-972): ILGPSQPQSL[Ile962Thr]VTERVYAPAS